The following is an entry in ClinVar:

ClinVar aggregate classification (germline): Uncertain significance (1 of 4 stars; one submission).

Conditions:
Early Myoclonic Encephalopathy. Identifiers: MedGen C0270855.

gnomAD v4.1: 16 of 1,614,078 alleles (0.00099%); highest among the groups gnomAD compares: Non-Finnish European, 0.0014%; no homozygotes.

Submission:

Labcorp Genetics (formerly Invitae), Labcorp
Classification: Uncertain significance for Early Myoclonic Encephalopathy. Last evaluated: 2024-04-29. Review status: criteria provided, single submitter. Criteria: Invitae Variant Classification Sherloc (09022015). Collection method: clinical testing. Allele origin: germline.
Comment: This sequence change replaces lysine, which is basic and polar, with arginine, which is basic and polar, at codon 707 of the JMJD1C protein (p.Lys707Arg). This variant is present in population databases (no rsID available, gnomAD 0.007%). This variant has not been reported in the literature in individuals affected with JMJD1C-related conditions. Advanced modeling of protein sequence and biophysical properties (such as structural, functional, and spatial information, amino acid conservation, physicochemical variation, residue mobility, and thermodynamic stability) performed at Invitae indicates that this missense variant is not expected to disrupt JMJD1C protein function with a negative predictive value of 80%. In summary, the available evidence is currently insufficient to determine the role of this variant in disease. Therefore, it has been classified as a Variant of Uncertain Significance.

NM_032776.3(JMJD1C):c.2120A>G (p.Lys707Arg)

Gene: JMJD1C (jumonji domain containing 1C; minus strand). Cytogenetic location: 10q21.3.
Variant type: single nucleotide variant.
Coding change: c.2120A>G on transcript NM_032776.3 (MANE Select); coding-DNA position 2120, A replaced by G.
Protein change: p.Lys707Arg; replaces lysine 707 with arginine.
Molecular consequence: missense variant. On other transcripts: non-coding transcript variant (1).
Genome position (GRCh38, 1-based): chr10:63,214,047, T>C on the plus strand (A>G on the coding strand, the complement: JMJD1C is on the minus strand). VCF-style: chr10-63214047-T-C. GRCh37 (hg19) VCF-style: chr10-64973807-T-C.
Other names: c.1574A>G, p.Lys525Arg (NM_001282948.2, NM_001318154.2); c.1256A>G, p.Lys419Arg (NM_001318153.2); c.2006A>G, p.Lys669Arg (NM_001322252.2); c.1463A>G, p.Lys488Arg (NM_001322254.2, NM_001322258.2); short protein forms K419R, K488R, K525R, K669R, K707R.
Identifiers: ClinVar variation 3612558 (VCV003612558.2).